The following is an entry in ClinVar:

ClinVar aggregate classification (germline): Benign/Likely benign. Review status: criteria provided, multiple submitters, no conflicts (2 of 4 stars). 2 submissions from 2 submitters: Benign (1); Likely benign (1). Last evaluated 2026-05-01.

Allele frequency attached by ClinVar (database versions not stated): gnomAD 0.00001 and 0.00023; TOPMed 0.00003; gnomAD exomes 0.00046 and 0.00101; ExAC 0.00122; 1000 Genomes Project 30x 0.00172; 1000 Genomes Project 0.00180.
gnomAD v4.1: 703 of 1,614,186 alleles (0.044%); highest among the groups gnomAD compares: South Asian, 0.66%; 13 homozygotes.

Submissions (2):

CeGaT Center for Human Genetics Tuebingen
Classification: Likely benign. Last evaluated: 2026-05-01. Review status: criteria provided, single submitter. Criteria: CeGaT Center For Human Genetics Tuebingen Variant Classification Criteria Version 2. Collection method: clinical testing. Allele origin: germline. Affected: yes. Observed: 3 variant alleles.
Comment: HTT: BP4, BS2

Labcorp Genetics (formerly Invitae), Labcorp
Classification: Benign. Last evaluated: 2025-10-27. Review status: criteria provided, single submitter. Criteria: Invitae Variant Classification Sherloc (09022015). Collection method: clinical testing. Allele origin: germline.

NM_001388492.1(HTT):c.5500C>T (p.Leu1834=)

Gene: HTT (huntingtin; plus strand). Cytogenetic location: 4p16.3.
Variant type: single nucleotide variant.
Coding change: c.5500C>T on transcript NM_001388492.1 (MANE Select); coding-DNA position 5500, C replaced by T.
Protein change: p.Leu1834=; no amino-acid change (leucine 1834 retained).
Molecular consequence: synonymous variant.
Genome position (GRCh38, 1-based): chr4:3,199,863, C>T. VCF-style: chr4-3199863-C-T. GRCh37 (hg19) VCF-style: chr4-3201590-C-T.
Other names: c.5506C>T, p.Leu1836= (NM_002111.8).
Identifiers: ClinVar variation 1541000 (VCV001541000.15), dbSNP rs542532871, ClinGen allele CA2824742.